The following is an entry in ClinVar:

NM_000038.6(APC):c.7339G>T (p.Ala2447Ser)

Gene: APC (APC regulator of Wnt signaling pathway; plus strand). Cytogenetic location: 5q22.2.
Variant type: single nucleotide variant.
Coding change: c.7339G>T on transcript NM_000038.6 (MANE Select); coding-DNA position 7339, G replaced by T.
Protein change: p.Ala2447Ser; replaces alanine 2447 with serine.
Molecular consequence: missense variant.
Genome position (GRCh38, 1-based): chr5:112,842,933, G>T. VCF-style: chr5-112842933-G-T. GRCh37 (hg19) VCF-style: chr5-112178630-G-T.
Other names: c.7339G>T, p.Ala2447Ser (NM_001127510.3, NM_001354895.2); c.7285G>T, p.Ala2429Ser (NM_001127511.3); c.7393G>T, p.Ala2465Ser (NM_001354896.2); c.7369G>T, p.Ala2457Ser (NM_001354897.2); c.7264G>T, p.Ala2422Ser (NM_001354898.2); c.7255G>T, p.Ala2419Ser (NM_001354899.2); c.7216G>T, p.Ala2406Ser (NM_001354900.2); c.7162G>T, p.Ala2388Ser (NM_001354901.2); and 5 more; short protein forms A2164S, A2388S, A2422S, A2321S, A2346S, A2356S, A2287S, A2406S.
Identifiers: ClinVar variation 639146 (VCV000639146.15), dbSNP rs864622136, ClinGen allele CA16037316.

ClinVar aggregate classification (germline): Uncertain significance. Review status: criteria provided, multiple submitters, no conflicts (2 of 4 stars). 2 submissions from 2 submitters: Uncertain significance (2). Last evaluated 2024-09-19.

Conditions:
Hereditary cancer-predisposing syndrome. Also called: Neoplastic Syndromes, Hereditary; Tumor predisposition; Hereditary Cancer Syndrome; Hereditary neoplastic syndrome. Identifiers: Orphanet 140162, MedGen C0027672, MeSH D009386, MONDO:0015356.
Familial adenomatous polyposis 1 (FAP1). Also called: POLYPOSIS, ADENOMATOUS INTESTINAL; FAMILIAL ADENOMATOUS POLYPOSIS 1, ATTENUATED. Identifiers: MedGen C2713442, MONDO:0021056, OMIM 175100. Disease mechanism: loss of function.

Submissions (2):

Labcorp Genetics (formerly Invitae), Labcorp
Classification: Uncertain significance for Familial adenomatous polyposis 1. Last evaluated: 2024-09-19. Review status: criteria provided, single submitter. Criteria: Invitae Variant Classification Sherloc (09022015). Collection method: clinical testing. Allele origin: germline.
Comment: This sequence change replaces alanine, which is neutral and non-polar, with serine, which is neutral and polar, at codon 2447 of the APC protein (p.Ala2447Ser). This variant is not present in population databases (gnomAD no frequency). This variant has not been reported in the literature in individuals affected with APC-related conditions. ClinVar contains an entry for this variant (Variation ID: 639146). Invitae Evidence Modeling of protein sequence and biophysical properties (such as structural, functional, and spatial information, amino acid conservation, physicochemical variation, residue mobility, and thermodynamic stability) indicates that this missense variant is not expected to disrupt APC protein function with a negative predictive value of 95%. In summary, the available evidence is currently insufficient to determine the role of this variant in disease. Therefore, it has been classified as a Variant of Uncertain Significance.

Ambry Genetics
Classification: Uncertain significance for Hereditary cancer-predisposing syndrome. Last evaluated: 2024-05-27. Review status: criteria provided, single submitter. Criteria: Ambry Variant Classification Scheme 2023. Collection method: clinical testing. Allele origin: germline.
Comment: The p.A2447S variant (also known as c.7339G>T), located in coding exon 15 of the APC gene, results from a G to T substitution at nucleotide position 7339. The alanine at codon 2447 is replaced by serine, an amino acid with similar properties. This amino acid position is well conserved in available vertebrate species. In addition, in silico predictors for this gene do not accurately predict pathogenicity. Since supporting evidence is limited at this time, the clinical significance of this alteration remains unclear.